The following is an entry in ClinVar:

NM_002878.4(RAD51D):c.559G>C (p.Gly187Arg)

Genes: RAD51D (RAD51 paralog D; minus strand), RAD51L3-RFFL (RAD51L3-RFFL readthrough; minus strand). Cytogenetic location: 17q12.
Variant type: single nucleotide variant.
Coding change: c.559G>C on transcript NM_002878.4 (MANE Select); coding-DNA position 559, G replaced by C.
Protein change: p.Gly187Arg; replaces glycine 187 with arginine.
Molecular consequence: missense variant. On other transcripts: non-coding transcript variant (3).
Genome position (GRCh38, 1-based): chr17:35,106,403, C>G on the plus strand (G>C on the coding strand, the complement: RAD51D is on the minus strand). VCF-style: chr17-35106403-C-G. GRCh37 (hg19) VCF-style: chr17-33433422-C-G.
Other names: c.619G>C, p.Gly207Arg (NM_001142571.2); c.223G>C, p.Gly75Arg (NM_133629.3); short protein forms G187R, G207R, G75R.
Identifiers: ClinVar variation 3626438 (VCV003626438.2).

ClinVar aggregate classification (germline): Uncertain significance (1 of 4 stars; one submission).

Conditions:
Breast-ovarian cancer, familial, susceptibility to, 4. Identifiers: Orphanet 145, MedGen C3280345, MONDO:0013669, OMIM 614291.

Submission:

Labcorp Genetics (formerly Invitae), Labcorp
Classification: Uncertain significance for Breast-ovarian cancer, familial, susceptibility to, 4. Last evaluated: 2024-09-29. Review status: criteria provided, single submitter. Criteria: Invitae Variant Classification Sherloc (09022015). Collection method: clinical testing. Allele origin: germline.
Comment: This sequence change replaces glycine, which is neutral and non-polar, with arginine, which is basic and polar, at codon 187 of the RAD51D protein (p.Gly187Arg). This variant is not present in population databases (gnomAD no frequency). This variant has not been reported in the literature in individuals affected with RAD51D-related conditions. Invitae Evidence Modeling of protein sequence and biophysical properties (such as structural, functional, and spatial information, amino acid conservation, physicochemical variation, residue mobility, and thermodynamic stability) indicates that this missense variant is not expected to disrupt RAD51D protein function with a negative predictive value of 80%. In summary, the available evidence is currently insufficient to determine the role of this variant in disease. Therefore, it has been classified as a Variant of Uncertain Significance.